The following is an entry in ClinVar:

ClinVar aggregate classification (germline): Benign (0 of 4 stars; one submission).

Conditions:
TSEN2-related disorder. Also called: TSEN2-related condition.

Allele frequency attached by ClinVar (database versions not stated): TOPMed 0.01571; 1000 Genomes Project 30x 0.02092; gnomAD 0.01399; gnomAD exomes 0.01486; 1000 Genomes Project 0.02137.
gnomAD v4.1: 4,756 of 328,006 alleles (1.4%); highest among the groups gnomAD compares: Admixed American, 4.2%; 61 homozygotes.

Submission:

PreventionGenetics, part of Exact Sciences
Classification: Benign for TSEN2-related condition. Last evaluated: 2019-06-11. Review status: no assertion criteria provided. Collection method: clinical testing. Allele origin: germline.
Comment: This variant is classified as benign based on ACMG/AMP sequence variant interpretation guidelines (Richards et al. 2015 PMID: 25741868, with internal and published modifications).

NM_001321278.2(TSEN2):c.1500C>T (p.Asp500=)

Gene: TSEN2 (tRNA splicing endonuclease subunit 2; plus strand). Cytogenetic location: 3p25.2.
Variant type: single nucleotide variant.
Coding change: c.1500C>T on transcript NM_001321278.2; coding-DNA position 1500, C replaced by T.
Protein change: p.Asp500=; no amino-acid change (aspartic acid 500 retained).
Molecular consequence: synonymous variant. On other transcripts: non-coding transcript variant (1).
Genome position (GRCh38, 1-based): chr3:12,539,322, C>T. VCF-style: chr3-12539322-C-T. GRCh37 (hg19) VCF-style: chr3-12580821-C-T.
Identifiers: ClinVar variation 3042025 (VCV003042025.2), dbSNP rs143658542, ClinGen allele CA2258877.